The following is an entry in ClinVar:

ClinVar aggregate classification (germline): Uncertain significance. Review status: criteria provided, single submitter (1 of 4 stars). 2 submissions from 2 submitters: Uncertain significance (1). 1 of the submissions does not count toward it. Last evaluated 2023-12-11.

Conditions:
Zellweger spectrum disorders (ZS). Also called: Zellweger syndrome; Zellweger Spectrum Disorder; Zellweger Spectrum; Zellweger Spectrum Disorder (ZSD). Identifiers: Orphanet 912, MedGen C0043459, MONDO:0019609.
Peroxisome biogenesis disorder. Identifiers: Orphanet 79189, MedGen C1832200, MONDO:0019234. Disease mechanism: loss of function.

Allele frequency attached by ClinVar (database versions not stated): gnomAD 0.00001; TOPMed 0.00001.
gnomAD v4.1: 2 of 1,563,012 alleles (0.00013%); highest among the groups gnomAD compares: Admixed American, 0.0019%; no homozygotes.

Submissions (2):

Labcorp Genetics (formerly Invitae), Labcorp
Classification: Uncertain significance for Peroxisome biogenesis disorder. Last evaluated: 2023-12-11. Review status: criteria provided, single submitter. Criteria: Invitae Variant Classification Sherloc (09022015). Collection method: clinical testing. Allele origin: germline.
Comment: This sequence change replaces glycine, which is neutral and non-polar, with tryptophan, which is neutral and slightly polar, at codon 162 of the PEX6 protein (p.Gly162Trp). This variant is not present in population databases (gnomAD no frequency). This variant has not been reported in the literature in individuals affected with PEX6-related conditions. ClinVar contains an entry for this variant (Variation ID: 1379309). An algorithm developed to predict the effect of missense changes on protein structure and function (PolyPhen-2) suggests that this variant is likely to be disruptive. In summary, the available evidence is currently insufficient to determine the role of this variant in disease. Therefore, it has been classified as a Variant of Uncertain Significance.

Natera, Inc.
Classification: Uncertain significance for Zellweger syndrome. Last evaluated: 2025-03-31. Review status: no assertion criteria provided. Collection method: clinical testing. Allele origin: germline. Not counted in ClinVar's aggregate classification.

NM_000287.4(PEX6):c.484G>T (p.Gly162Trp)

Gene: PEX6 (peroxisomal biogenesis factor 6; minus strand). Cytogenetic location: 6p21.1.
Variant type: single nucleotide variant.
Coding change: c.484G>T on transcript NM_000287.4 (MANE Select); coding-DNA position 484, G replaced by T.
Protein change: p.Gly162Trp; replaces glycine 162 with tryptophan.
Molecular consequence: missense variant. On other transcripts: non-coding transcript variant (1).
Genome position (GRCh38, 1-based): chr6:42,978,667, C>A on the plus strand (G>T on the coding strand, the complement: PEX6 is on the minus strand). VCF-style: chr6-42978667-C-A. GRCh37 (hg19) VCF-style: chr6-42946405-C-A.
Other names: c.484G>T, p.Gly162Trp (NM_001316313.2); c.484G>T (NM_000287.3); short protein forms G162W.
Identifiers: ClinVar variation 1379309 (VCV001379309.9), dbSNP rs1359274674, ClinGen allele CA364164994.